The following is an entry in ClinVar:

ClinVar aggregate classification (germline): Uncertain significance (1 of 4 stars; one submission).

Conditions:
Inborn genetic diseases. Identifiers: MedGen C0950123, MeSH D030342.

gnomAD v4.1: 12 of 1,603,150 alleles (0.00075%); highest among the groups gnomAD compares: Non-Finnish European, 0.001%; no homozygotes.

Submission:

Ambry Genetics
Classification: Uncertain significance for Inborn genetic diseases. Last evaluated: 2025-12-09. Review status: criteria provided, single submitter. Criteria: Ambry Variant Classification Scheme 2023. Collection method: clinical testing. Allele origin: germline.
Comment: The c.421A>G (p.S141G) alteration is located in exon 9 (coding exon 7) of the HNRNPK gene. This alteration results from a A to G substitution at nucleotide position 421, causing the serine (S) at amino acid position 141 to be replaced by a glycine (G). Based on data from gnomAD, the G allele has an overall frequency of <0.001% (1/250842) total alleles studied. The highest observed frequency was 0.001% (1/113350) of European (non-Finnish) alleles. Based on insufficient or conflicting evidence, the clinical significance of this alteration remains unclear.

NM_031263.4(HNRNPK):c.421A>G (p.Ser141Gly)

Genes: HNRNPK (heterogeneous nuclear ribonucleoprotein K; minus strand), HNRNPK-AS1 (HNRNPK antisense RNA 1; plus strand). Cytogenetic location: 9q21.32.
Variant type: single nucleotide variant.
Coding change: c.421A>G on transcript NM_031263.4 (MANE Select); coding-DNA position 421, A replaced by G.
Protein change: p.Ser141Gly; replaces serine 141 with glycine.
Molecular consequence: missense variant.
Genome position (GRCh38, 1-based): chr9:83,973,381, T>C on the plus strand (A>G on the coding strand, the complement: HNRNPK is on the minus strand). VCF-style: chr9-83973381-T-C. GRCh37 (hg19) VCF-style: chr9-86588296-T-C.
Other names: c.349A>G, p.Ser117Gly (NM_001318186.2, NM_001318187.2); c.421A>G, p.Ser141Gly (NM_001318188.2, NM_002140.5, NM_031262.4); short protein forms S117G, S141G.
Identifiers: ClinVar variation 4621608 (VCV004621608.1).
Genomic context (GRCh38, chr9:83,973,381, plus strand): 5'-CAATAATTCCTCCTGCTAGACTCTGATGAATCAACAGCCTCAACTCGCAGTCAAAGTCAC[T>C]TCCTTTATAGTGTTGGTACTGTGGAGGGAGAATTATAAAATTTTAGTCTCAAATCAACAA-3'
Protein context (NP_112553.1, residues 131-151): ECLNYQHYKG[Ser141Gly]DFDCELRLLI